The following is an entry in ClinVar:

NM_020163.3(SEMA3G):c.1376-5C>T

Gene: SEMA3G (semaphorin 3G; minus strand). Cytogenetic location: 3p21.1.
Variant type: single nucleotide variant.
Coding change: c.1376-5C>T on transcript NM_020163.3 (MANE Select); 5 bases into the intron before coding-DNA position 1376, C replaced by T.
Molecular consequence: intron variant.
Genome position (GRCh38, 1-based): chr3:52,439,776, G>A on the plus strand (C>T on the coding strand, the complement: SEMA3G is on the minus strand). VCF-style: chr3-52439776-G-A. GRCh37 (hg19) VCF-style: chr3-52473792-G-A.
Identifiers: ClinVar variation 3037085 (VCV003037085.2), dbSNP rs377384706, ClinGen allele CA2437954.

ClinVar aggregate classification (germline): Likely benign (0 of 4 stars; one submission).

Conditions:
SEMA3G-related disorder. Also called: SEMA3G-related condition.

Allele frequency attached by ClinVar (database versions not stated): gnomAD exomes 0.00001; ExAC 0.00003; ESP Exome Variant Server 0.00008; gnomAD 0.00009; TOPMed 0.00011; 1000 Genomes Project 30x 0.00016; 1000 Genomes Project 0.00020.
gnomAD v4.1: 26 of 1,613,646 alleles (0.0016%); highest among the groups gnomAD compares: African/African-American, 0.032%; no homozygotes.

Submission:

PreventionGenetics, part of Exact Sciences
Classification: Likely benign for SEMA3G-related condition. Last evaluated: 2021-07-12. Review status: no assertion criteria provided. Collection method: clinical testing. Allele origin: germline.
Comment: This variant is classified as likely benign based on ACMG/AMP sequence variant interpretation guidelines (Richards et al. 2015 PMID: 25741868, with internal and published modifications).